The following is an entry in ClinVar:

NM_001100913.3(PACS2):c.461G>A (p.Ser154Asn)

Gene: PACS2 (phosphofurin acidic cluster sorting protein 2; plus strand). Cytogenetic location: 14q32.33.
Variant type: single nucleotide variant.
Coding change: c.461G>A on transcript NM_001100913.3 (MANE Select); coding-DNA position 461, G replaced by A.
Protein change: p.Ser154Asn; replaces serine 154 with asparagine.
Molecular consequence: missense variant.
Genome position (GRCh38, 1-based): chr14:105,367,250, G>A. VCF-style: chr14-105367250-G-A. GRCh37 (hg19) VCF-style: chr14-105833587-G-A.
Other names: c.260G>A, p.Ser87Asn (NM_001243127.3); c.461G>A, p.Ser154Asn (NM_015197.4); short protein forms S87N, S154N.
Identifiers: ClinVar variation 1362285 (VCV001362285.8), dbSNP rs1555408160, ClinGen allele CA391172899.
Genomic context (GRCh38, chr14:105,367,250, plus strand): 5'-AGAACCGTGCCCCTGGCCTGCAGGTGATGCAACACCCGTCTGAAGGTGGCCAGGTGCTGA[G>A]CCTCTGCAGCAGCATCAAGGAGGCCCCCGTCAAGGCGGCCGAGATCTGGATCGCCTCCCT-3'
Protein context (NP_001094383.2, residues 144-164): QHPSEGGQVL[Ser154Asn]LCSSIKEAPV

ClinVar aggregate classification (germline): Uncertain significance (1 of 4 stars; one submission).

Allele frequency attached by ClinVar (database versions not stated): gnomAD 0.00001.
gnomAD v4.1: 1 of 1,613,040 alleles (0.000062%); highest among the groups gnomAD compares: African/African-American, 0.0013%; no homozygotes.

Submission:

Labcorp Genetics (formerly Invitae), Labcorp
Classification: Uncertain significance. Last evaluated: 2021-07-04. Review status: criteria provided, single submitter. Criteria: Invitae Variant Classification Sherloc (09022015). Collection method: clinical testing. Allele origin: germline.
Comment: In summary, the available evidence is currently insufficient to determine the role of this variant in disease. Therefore, it has been classified as a Variant of Uncertain Significance. Algorithms developed to predict the effect of missense changes on protein structure and function output the following: SIFT: "Tolerated"; PolyPhen-2: "Benign"; Align-GVGD: "Class C0". The asparagine amino acid residue is found in multiple mammalian species, which suggests that this missense change does not adversely affect protein function. This variant has not been reported in the literature in individuals affected with PACS2-related conditions. This variant is not present in population databases (ExAC no frequency). This sequence change replaces serine with asparagine at codon 154 of the PACS2 protein (p.Ser154Asn). The serine residue is moderately conserved and there is a small physicochemical difference between serine and asparagine.